The following is an entry in ClinVar:

ClinVar aggregate classification (germline): Uncertain significance (1 of 4 stars; one submission).

gnomAD v4.1: 4 of 1,613,660 alleles (0.00025%); highest among the groups gnomAD compares: Non-Finnish European, 0.00017%; no homozygotes.

Submission:

Women's Health and Genetics/Laboratory Corporation of America, LabCorp
Classification: Uncertain significance. Last evaluated: 2024-05-10. Review status: criteria provided, single submitter. Criteria: LabCorp Variant Classification Summary - May 2015. Collection method: clinical testing. Allele origin: germline.
Comment: Variant summary: ADGRG1 c.1426C>G (p.Arg476Gly) results in a non-conservative amino acid change located in the GPCR, family 2-like, 7TM (IPR017981) domain of the encoded protein sequence. Four of five in-silico tools predict a benign effect of the variant on protein function. The variant allele was found at a frequency of 2.8e-05 in 249890 control chromosomes (gnomAD). The available data on variant occurrences in the general population are insufficient to allow any conclusion about variant significance. To our knowledge, no occurrence of c.1426C>G in individuals affected with Polymicrogyria, Bilateral Frontoparietal and no experimental evidence demonstrating its impact on protein function have been reported. No submitters have cited clinical-significance assessments for this variant to ClinVar. Based on the evidence outlined above, the variant was classified as uncertain significance.

NM_201525.4(ADGRG1):c.1408C>G (p.Arg470Gly)

Gene: ADGRG1 (adhesion G protein-coupled receptor G1; plus strand). Cytogenetic location: 16q21.
Variant type: single nucleotide variant.
Coding change: c.1408C>G on transcript NM_201525.4 (MANE Select); coding-DNA position 1408, C replaced by G.
Protein change: p.Arg470Gly; replaces arginine 470 with glycine.
Molecular consequence: missense variant.
Genome position (GRCh38, 1-based): chr16:57,659,534, C>G. VCF-style: chr16-57659534-C-G. GRCh37 (hg19) VCF-style: chr16-57693446-C-G.
Other names: c.1408C>G, p.Arg470Gly (NM_001145770.3, NM_001145772.3, NM_001145774.3 and 7 more transcripts); c.1426C>G, p.Arg476Gly (NM_001145771.3, NM_001370428.1, NM_001370429.1 and 4 more transcripts); c.1423C>G, p.Arg475Gly (NM_001145773.3, NM_001370433.1, NM_001370434.1); c.916C>G, p.Arg306Gly (NM_001290142.2); c.901C>G, p.Arg301Gly (NM_001290143.2); c.883C>G, p.Arg295Gly (NM_001290144.2, NM_001370451.1, NM_001370453.1 and 1 more transcripts); c.1405C>G, p.Arg469Gly (NM_001370441.1); c.1252C>G, p.Arg418Gly (NM_001370442.1); short protein forms R295G, R301G, R306G, R418G, R469G, R470G, R475G, R476G.
Identifiers: ClinVar variation 3336055 (VCV003336055.1).
Genomic context (GRCh38, chr16:57,659,534, plus strand): 5'-CTGGACACGAGCTTCCTGCTCAGCGAGCCGGTGGCCCTGACAGGCTCTGAGGCTGGCTGC[C>G]GAGCCAGTGCCATCTTCCTGCACTTCTCCCTGCTCACCTGCCTTTCCTGGATGGGCCTCG-3'
Protein context (NP_958933.1, residues 460-480): VALTGSEAGC[Arg470Gly]ASAIFLHFSL